The following is an entry in ClinVar:

NM_000458.4(HNF1B):c.892A>G (p.Asn298Asp)

Gene: HNF1B (HNF1 homeobox B; minus strand). Cytogenetic location: 17q12.
Variant type: single nucleotide variant.
Coding change: c.892A>G on transcript NM_000458.4 (MANE Select); coding-DNA position 892, A replaced by G.
Protein change: p.Asn298Asp; replaces asparagine 298 with aspartic acid.
Molecular consequence: missense variant.
Genome position (GRCh38, 1-based): chr17:37,731,748, T>C on the plus strand (A>G on the coding strand, the complement: HNF1B is on the minus strand). VCF-style: chr17-37731748-T-C. GRCh37 (hg19) VCF-style: chr17-36091739-T-C.
Other names: c.814A>G, p.Asn272Asp (NM_001304286.2, NM_001165923.4); short protein forms N298D, N272D.
Identifiers: ClinVar variation 636637 (VCV000636637.4), dbSNP rs1598841002, ClinGen allele CA398746824.

ClinVar aggregate classification (germline): Uncertain significance. Review status: criteria provided, multiple submitters, no conflicts (2 of 4 stars). 3 submissions from 3 submitters: Uncertain significance (2). 1 of the submissions does not count toward it. Last evaluated 2023-10-26.

Conditions:
Maturity-onset diabetes of the young (MODY). Also called: Maturity onset diabetes mellitus in young. Identifiers: Orphanet 552, MedGen C0342276, MONDO:0018911, HP:0004904.

Submissions (3):

GeneDx
Classification: Uncertain significance. Last evaluated: 2023-10-26. Review status: criteria provided, single submitter. Criteria: GeneDx Variant Classification Process June 2021. Collection method: clinical testing. Allele origin: germline. Affected: yes.
Comment: Not observed at significant frequency in large population cohorts (gnomAD); In silico analysis supports that this missense variant has a deleterious effect on protein structure/function; Has not been previously published as pathogenic or benign to our knowledge; This variant is associated with the following publications: (PMID: 17924661)

Blueprint Genetics
Classification: Uncertain significance. Last evaluated: 2018-05-04. Review status: criteria provided, single submitter. Criteria: ACMG Guidelines, 2015. Collection method: clinical testing. Allele origin: germline.

Clinical Genomics, Uppaluri K&H Personalized Medicine Clinic
Classification: Pathogenic for Maturity-onset diabetes of the young. Review status: flagged submission. Criteria: K & H Uppaluri Personalized Medicine Clinic Variant Classification & Assertion Criteria_Updated V.1. Collection method: research. Allele origin: unknown. Inheritance: Autosomal dominant inheritance. Not counted in ClinVar's aggregate classification.
Comment: HNF1B gene mutations are associated with early onset diabetes and pancreatic atrophy. It is also associated with multiple renal manifestations including renal cysts, Tubulointerstitial disease, glomerulocystic disease, renal hypoplasia, hypomagnesemia. However no sufficient evidence is found to ascertain the role of this particular variant rs1598841002, yet.
ClinVar note: Notes: Lab classifies variant as pathogenic but says that there is no sufficient evidence to ascertain the role of this specific variant in disease.
ClinVar note: Reason: Claim with insufficient supporting evidence

Literature cited by the submitters: PubMed 24897035 (cited by Clinical Genomics, Uppaluri K&H Personalized Medicine Clinic); PubMed 25536396 (cited by Clinical Genomics, Uppaluri K&H Personalized Medicine Clinic); PubMed 27615128 (cited by Clinical Genomics, Uppaluri K&H Personalized Medicine Clinic); PubMed 28215227 (cited by Clinical Genomics, Uppaluri K&H Personalized Medicine Clinic); PubMed 33434175 (cited by Clinical Genomics, Uppaluri K&H Personalized Medicine Clinic); PubMed 25741167 (cited by Clinical Genomics, Uppaluri K&H Personalized Medicine Clinic); PubMed 26340261 (cited by Clinical Genomics, Uppaluri K&H Personalized Medicine Clinic); PubMed 19639018 (cited by Clinical Genomics, Uppaluri K&H Personalized Medicine Clinic).